The following is an entry in ClinVar:

NM_138694.4(PKHD1):c.11090A>G (p.Gln3697Arg)

Gene: PKHD1 (PKHD1 ciliary IPT domain containing fibrocystin/polyductin; minus strand). Cytogenetic location: 6p12.3.
Variant type: single nucleotide variant.
Coding change: c.11090A>G on transcript NM_138694.4 (MANE Select); coding-DNA position 11090, A replaced by G.
Protein change: p.Gln3697Arg; replaces glutamine 3697 with arginine.
Molecular consequence: missense variant.
Genome position (GRCh38, 1-based): chr6:51,659,036, T>C on the plus strand (A>G on the coding strand, the complement: PKHD1 is on the minus strand). VCF-style: chr6-51659036-T-C. GRCh37 (hg19) VCF-style: chr6-51523834-T-C.
Other names: short protein forms Q3697R.
Identifiers: ClinVar variation 4823783 (VCV004823783.4).

ClinVar aggregate classification (germline): Uncertain significance (1 of 4 stars; one submission).

Submission:

CeGaT Center for Human Genetics Tuebingen
Classification: Uncertain significance. Last evaluated: 2026-06-01. Review status: criteria provided, single submitter. Criteria: CeGaT Center For Human Genetics Tuebingen Variant Classification Criteria Version 2. Collection method: clinical testing. Allele origin: germline. Affected: yes. Observed: 2 variant alleles.
Comment: PKHD1: PM2, PM3, BP4